The following is an entry in ClinVar:

ClinVar aggregate classification (germline): Uncertain significance (1 of 4 stars; one submission).

Conditions:
Inborn genetic diseases. Identifiers: MedGen C0950123, MeSH D030342.

Submission:

Ambry Genetics
Classification: Uncertain significance for Inborn genetic diseases. Last evaluated: 2025-12-19. Review status: criteria provided, single submitter. Criteria: Ambry Variant Classification Scheme 2023. Collection method: clinical testing. Allele origin: germline.
Comment: The p.F693L variant (also known as c.2079C>G), located in coding exon 12 of the BMPR2 gene, results from a C to G substitution at nucleotide position 2079. The phenylalanine at codon 693 is replaced by leucine, an amino acid with highly similar properties. This amino acid position is conserved. In addition, the in silico prediction for this alteration is inconclusive. Based on the available evidence, the clinical significance of this variant remains unclear.

NM_001204.7(BMPR2):c.2079C>G (p.Phe693Leu)

Gene: BMPR2 (bone morphogenetic protein receptor type 2; plus strand). Cytogenetic location: 2q33.2.
Variant type: single nucleotide variant.
Coding change: c.2079C>G on transcript NM_001204.7 (MANE Select); coding-DNA position 2079, C replaced by G.
Protein change: p.Phe693Leu; replaces phenylalanine 693 with leucine.
Molecular consequence: missense variant.
Genome position (GRCh38, 1-based): chr2:202,555,744, C>G. VCF-style: chr2-202555744-C-G. GRCh37 (hg19) VCF-style: chr2-203420467-C-G.
Other names: short protein forms F693L.
Identifiers: ClinVar variation 4843350 (VCV004843350.1).